The following is an entry in ClinVar:

NM_006415.4(SPTLC1):c.290G>A (p.Gly97Glu)

Gene: SPTLC1 (serine palmitoyltransferase long chain base subunit 1; minus strand). Cytogenetic location: 9q22.31.
Variant type: single nucleotide variant.
Coding change: c.290G>A on transcript NM_006415.4 (MANE Select); coding-DNA position 290, G replaced by A.
Protein change: p.Gly97Glu; replaces glycine 97 with glutamic acid.
Molecular consequence: missense variant. On other transcripts: 5 prime UTR variant (2).
Genome position (GRCh38, 1-based): chr9:92,080,934, C>T on the plus strand (G>A on the coding strand, the complement: SPTLC1 is on the minus strand). VCF-style: chr9-92080934-C-T. GRCh37 (hg19) VCF-style: chr9-94843216-C-T.
Other names: c.290G>A, p.Gly97Glu (NM_001281303.2, NM_178324.3); c.-210G>A (NM_001368272.1); c.-176G>A (NM_001368273.1); short protein forms G97E.
Identifiers: ClinVar variation 2051557 (VCV002051557.4), dbSNP rs2538473715, ClinGen allele CA373788890.
Genomic context (GRCh38, chr9:92,080,934, plus strand): 5'-ACCCTAGGGTTATCCAACAATCCAAGAAAATTAAATGAGGCGAAGTTTATACATTCTTTT[C>T]CATTCACCACAGTTTTGTGGCTTGGAGGGCTAGGGAAGAGATAGAGTGGTACATGTCAAT-3'
Protein context (NP_006406.1, residues 87-107): GPPSHKTVVN[Gly97Glu]KECINFASFN

ClinVar aggregate classification (germline): Uncertain significance (1 of 4 stars; one submission).

Conditions:
Hereditary sensory and autonomic neuropathy type 1 (HSAN1). Also called: HSAN 1; HSN Type I; Hereditary Sensory Neuropathy Type I. Identifiers: Orphanet 36386, MedGen C0020071, MONDO:0018213.

Submission:

Labcorp Genetics (formerly Invitae), Labcorp
Classification: Uncertain significance for Hereditary sensory and autonomic neuropathy type 1. Last evaluated: 2021-12-21. Review status: criteria provided, single submitter. Criteria: Invitae Variant Classification Sherloc (09022015). Collection method: clinical testing. Allele origin: germline.
Comment: This sequence change replaces glycine, which is neutral and non-polar, with glutamic acid, which is acidic and polar, at codon 97 of the SPTLC1 protein (p.Gly97Glu). This variant is not present in population databases (gnomAD no frequency). This variant has not been reported in the literature in individuals affected with SPTLC1-related conditions. Algorithms developed to predict the effect of missense changes on protein structure and function are either unavailable or do not agree on the potential impact of this missense change (SIFT: "Deleterious"; PolyPhen-2: "Possibly Damaging"; Align-GVGD: "Class C0"). In summary, the available evidence is currently insufficient to determine the role of this variant in disease. Therefore, it has been classified as a Variant of Uncertain Significance.